The following is an entry in ClinVar:

NM_000081.4(LYST):c.11077G>A (p.Gly3693Arg)

Gene: LYST (lysosomal trafficking regulator; minus strand). Cytogenetic location: 1q42.3.
Variant type: single nucleotide variant.
Coding change: c.11077G>A on transcript NM_000081.4 (MANE Select); coding-DNA position 11077, G replaced by A.
Protein change: p.Gly3693Arg; replaces glycine 3693 with arginine.
Molecular consequence: missense variant.
Genome position (GRCh38, 1-based): chr1:235,664,583, C>T on the plus strand (G>A on the coding strand, the complement: LYST is on the minus strand). VCF-style: chr1-235664583-C-T. GRCh37 (hg19) VCF-style: chr1-235827883-C-T.
Other names: c.11077G>A, p.Gly3693Arg (NM_001301365.1); short protein forms G3693R.
Identifiers: ClinVar variation 2088584 (VCV002088584.5), dbSNP rs1333040453, ClinGen allele CA344987041.

ClinVar aggregate classification (germline): Uncertain significance. Review status: criteria provided, multiple submitters, no conflicts (2 of 4 stars). 2 submissions from 2 submitters: Uncertain significance (2). Last evaluated 2024-06-10.

Conditions:
Chédiak-Higashi syndrome (CHS). Also called: Chediak-Higashi Syndrome. Identifiers: Orphanet 167, MedGen C0007965, MONDO:0008963, OMIM 214500.

Allele frequency attached by ClinVar (database versions not stated): TOPMed below 0.00001; gnomAD exomes 0.00001.
gnomAD v4.1: 14 of 1,614,112 alleles (0.00087%); highest among the groups gnomAD compares: East Asian, 0.0045%; no homozygotes.

Submissions (2):

Women's Health and Genetics/Laboratory Corporation of America, LabCorp
Classification: Uncertain significance. Last evaluated: 2024-06-10. Review status: criteria provided, single submitter. Criteria: LabCorp Variant Classification Summary - May 2015. Collection method: clinical testing. Allele origin: germline.
Comment: Variant summary: LYST c.11077G>A (p.Gly3693Arg) results in a non-conservative amino acid change in the encoded protein sequence. Four of five in-silico tools predict a damaging effect of the variant on protein function. The variant allele was found at a frequency of 4e-06 in 250970 control chromosomes. The available data on variant occurrences in the general population are insufficient to allow any conclusion about variant significance. To our knowledge, no occurrence of c.11077G>A in individuals affected with Chediak-Higashi Syndrome and no experimental evidence demonstrating its impact on protein function have been reported. ClinVar contains an entry for this variant (Variation ID: 2088584). Based on the evidence outlined above, the variant was classified as uncertain significance.

Labcorp Genetics (formerly Invitae), Labcorp
Classification: Uncertain significance for Chédiak-Higashi syndrome. Last evaluated: 2022-05-20. Review status: criteria provided, single submitter. Criteria: Invitae Variant Classification Sherloc (09022015). Collection method: clinical testing. Allele origin: germline.
Comment: In summary, the available evidence is currently insufficient to determine the role of this variant in disease. Therefore, it has been classified as a Variant of Uncertain Significance. Algorithms developed to predict the effect of missense changes on protein structure and function are either unavailable or do not agree on the potential impact of this missense change (SIFT: "Deleterious"; PolyPhen-2: "Probably Damaging"; Align-GVGD: "Class C0"). This variant has not been reported in the literature in individuals affected with LYST-related conditions. The frequency data for this variant in the population databases is considered unreliable, as metrics indicate poor data quality at this position in the gnomAD database. This sequence change replaces glycine, which is neutral and non-polar, with arginine, which is basic and polar, at codon 3693 of the LYST protein (p.Gly3693Arg).